The following is an entry in ClinVar:

ClinVar aggregate classification (germline): Uncertain significance. Review status: criteria provided, multiple submitters, no conflicts (2 of 4 stars). 2 submissions from 2 submitters: Uncertain significance (2). Last evaluated 2025-12-15.

Conditions:
Inborn genetic diseases. Identifiers: MedGen C0950123, MeSH D030342.
Aortic valve disease 2 (AOVD2). Identifiers: MedGen C3542024, MONDO:0013902, OMIM 614823.

Allele frequency attached by ClinVar (database versions not stated): gnomAD 0.00007; gnomAD exomes 0.00007; TOPMed 0.00010.
gnomAD v4.1: 76 of 1,268,116 alleles (0.006%); highest among the groups gnomAD compares: African/African-American, 0.061%; 1 homozygote.

Submissions (2):

Labcorp Genetics (formerly Invitae), Labcorp
Classification: Uncertain significance for Aortic valve disease 2. Last evaluated: 2025-12-15. Review status: criteria provided, single submitter. Criteria: Invitae Variant Classification Sherloc (09022015). Collection method: clinical testing. Allele origin: germline.
Comment: This sequence change replaces glycine, which is neutral and non-polar, with arginine, which is basic and polar, at codon 147 of the SMAD6 protein (p.Gly147Arg). This variant is present in population databases (no rsID available, gnomAD 0.02%). This variant has not been reported in the literature in individuals affected with SMAD6-related conditions. ClinVar contains an entry for this variant (Variation ID: 1011419). Invitae Evidence Modeling of protein sequence and biophysical properties (such as structural, functional, and spatial information, amino acid conservation, physicochemical variation, residue mobility, and thermodynamic stability) indicates that this missense variant is not expected to disrupt SMAD6 protein function with a negative predictive value of 80%. In summary, the available evidence is currently insufficient to determine the role of this variant in disease. Therefore, it has been classified as a Variant of Uncertain Significance.

Ambry Genetics
Classification: Uncertain significance for Inborn genetic diseases. Last evaluated: 2024-08-25. Review status: criteria provided, single submitter. Criteria: Ambry Variant Classification Scheme 2023. Collection method: clinical testing. Allele origin: germline.

NM_005585.5(SMAD6):c.439G>A (p.Gly147Arg)

Gene: SMAD6 (SMAD family member 6; plus strand). Cytogenetic location: 15q22.31.
Variant type: single nucleotide variant.
Coding change: c.439G>A on transcript NM_005585.5 (MANE Select); coding-DNA position 439, G replaced by A.
Protein change: p.Gly147Arg; replaces glycine 147 with arginine.
Molecular consequence: missense variant. On other transcripts: non-coding transcript variant (1).
Genome position (GRCh38, 1-based): chr15:66,703,697, G>A. VCF-style: chr15-66703697-G-A. GRCh37 (hg19) VCF-style: chr15-66996035-G-A.
Other names: short protein forms G147R.
Identifiers: ClinVar variation 1011419 (VCV001011419.10), dbSNP rs867644316, ClinGen allele CA271682968.